The following is an entry in ClinVar:

ClinVar aggregate classification (germline): Uncertain significance. Review status: criteria provided, multiple submitters, no conflicts (2 of 4 stars). 2 submissions from 2 submitters: Uncertain significance (2). Last evaluated 2024-02-19.

Conditions:
Inborn genetic diseases. Identifiers: MedGen C0950123, MeSH D030342.

Allele frequency attached by ClinVar (database versions not stated): gnomAD 0.00001; TOPMed 0.00001; gnomAD exomes 0.00002; ESP Exome Variant Server 0.00008; ExAC 0.00001.
gnomAD v4.1: 31 of 1,610,636 alleles (0.0019%); highest among the groups gnomAD compares: South Asian, 0.0022%; no homozygotes.

Submissions (2):

Labcorp Genetics (formerly Invitae), Labcorp
Classification: Uncertain significance. Last evaluated: 2024-02-19. Review status: criteria provided, single submitter. Criteria: Invitae Variant Classification Sherloc (09022015). Collection method: clinical testing. Allele origin: germline.
Comment: This sequence change replaces arginine, which is basic and polar, with glutamine, which is neutral and polar, at codon 365 of the CHUK protein (p.Arg365Gln). This variant is present in population databases (rs370134476, gnomAD 0.004%). This variant has not been reported in the literature in individuals affected with CHUK-related conditions. ClinVar contains an entry for this variant (Variation ID: 1914422). An algorithm developed to predict the effect of missense changes on protein structure and function (PolyPhen-2) suggests that this variant is likely to be disruptive. In summary, the available evidence is currently insufficient to determine the role of this variant in disease. Therefore, it has been classified as a Variant of Uncertain Significance.

Ambry Genetics
Classification: Uncertain significance for Inborn genetic diseases. Last evaluated: 2023-01-26. Review status: criteria provided, single submitter. Criteria: Ambry Variant Classification Scheme 2023. Collection method: clinical testing. Allele origin: germline.

NM_001278.5(CHUK):c.1094G>A (p.Arg365Gln)

Gene: CHUK (component of inhibitor of nuclear factor kappa B kinase complex; minus strand). Cytogenetic location: 10q24.31.
Variant type: single nucleotide variant.
Coding change: c.1094G>A on transcript NM_001278.5 (MANE Select); coding-DNA position 1094, G replaced by A.
Protein change: p.Arg365Gln; replaces arginine 365 with glutamine.
Molecular consequence: missense variant.
Genome position (GRCh38, 1-based): chr10:100,209,629, C>T on the plus strand (G>A on the coding strand, the complement: CHUK is on the minus strand). VCF-style: chr10-100209629-C-T. GRCh37 (hg19) VCF-style: chr10-101969386-C-T.
Other names: c.1094G>A (NM_001278.3); c.1094G>A, p.Arg365Gln (NM_001320928.2); short protein forms R365Q.
Identifiers: ClinVar variation 1914422 (VCV001914422.7), dbSNP rs370134476, ClinGen allele CA5646526.